The following is an entry in ClinVar:

NM_207361.6(FREM2):c.2063G>A (p.Arg688Gln)

Gene: FREM2 (FRAS1 related extracellular matrix 2; plus strand). Cytogenetic location: 13q13.3.
Variant type: single nucleotide variant.
Coding change: c.2063G>A on transcript NM_207361.6 (MANE Select); coding-DNA position 2063, G replaced by A.
Protein change: p.Arg688Gln; replaces arginine 688 with glutamine.
Molecular consequence: missense variant.
Genome position (GRCh38, 1-based): chr13:38,689,407, G>A. VCF-style: chr13-38689407-G-A. GRCh37 (hg19) VCF-style: chr13-39263544-G-A.
Other names: c.2063G>A (NM_207361.5); short protein forms R688Q.
Identifiers: ClinVar variation 3096791 (VCV003096791.2), dbSNP rs140796866, ClinGen allele CA6954530.

ClinVar aggregate classification (germline): Uncertain significance. Review status: criteria provided, multiple submitters, no conflicts (2 of 4 stars). 2 submissions from 2 submitters: Uncertain significance (2). Last evaluated 2026-05-22.

Conditions:
FREM2-related disorder. Also called: FREM2-related condition.
Inborn genetic diseases. Identifiers: MedGen C0950123, MeSH D030342.

Allele frequency attached by ClinVar (database versions not stated): ExAC 0.00004; gnomAD 0.00004; TOPMed 0.00004; gnomAD exomes 0.00007; ESP Exome Variant Server 0.00008.
gnomAD v4.1: 114 of 1,613,824 alleles (0.0071%); highest among the groups gnomAD compares: Non-Finnish European, 0.009%; no homozygotes.

Submissions (2):

PreventionGenetics, part of Exact Sciences
Classification: Uncertain significance for FREM2-related condition. Last evaluated: 2026-05-22. Review status: criteria provided, single submitter. Criteria: ACMG Guidelines, 2015. Collection method: clinical testing. Allele origin: germline.
Comment: The FREM2 c.2063G>A variant is predicted to result in the amino acid substitution p.Arg688Gln. To our knowledge, this variant has not been reported in the literature. This variant is reported in 0.0080% of alleles in individuals of African descent in gnomAD. At this time, the clinical significance of this variant is uncertain due to the absence of conclusive functional and genetic evidence.

Ambry Genetics
Classification: Uncertain significance for Inborn genetic diseases. Last evaluated: 2023-10-17. Review status: criteria provided, single submitter. Criteria: Ambry Variant Classification Scheme 2023. Collection method: clinical testing. Allele origin: germline.